The following is an entry in ClinVar:

ClinVar aggregate classification (germline): Benign. Review status: criteria provided, multiple submitters, no conflicts (2 of 4 stars). 2 submissions from 2 submitters: Benign (2). Last evaluated 2018-01-12.

Conditions:
Brachydactyly. Also called: Brachydactyly syndrome; Brachydactyly (disease). Identifiers: MedGen C0221357, MONDO:0021004, HP:0001156.

Allele frequency attached by ClinVar (database versions not stated): 1000 Genomes Project 30x 0.38054; 1000 Genomes Project 0.38438; TOPMed 0.42857; gnomAD 0.43208 and 0.43573.

Submissions (2):

Illumina Laboratory Services, Illumina
Classification: Benign for Brachydactyly. Last evaluated: 2018-01-12. Review status: criteria provided, single submitter. Criteria: ICSL Variant Classification Criteria 13 December 2019. Collection method: clinical testing. Allele origin: germline.
Comment: This variant was observed in the ICSL laboratory as part of a predisposition screen in an ostensibly healthy population. It had not been previously curated by ICSL or reported in the Human Gene Mutation Database (HGMD: prior to June 1st, 2018), and was therefore a candidate for classification through an automated scoring system. Utilizing variant allele frequency, disease prevalence and penetrance estimates, and inheritance mode, an automated score was calculated to assess if this variant is too frequent to cause the disease. Based on the score and internal cut-off values, a variant classified as benign is not then subjected to further curation. The score for this variant resulted in a classification of benign for this disease.

Breakthrough Genomics
Classification: Benign. Review status: criteria provided, single submitter. Criteria: ACMG Guidelines, 2015. Collection method: not provided. Allele origin: germline. Inheritance: Autosomal recessive inheritance. Affected: yes.

NM_001203.3(BMPR1B):c.*2776A>G

Gene: BMPR1B (bone morphogenetic protein receptor type 1B; plus strand). Cytogenetic location: 4q22.3.
Variant type: single nucleotide variant.
Coding change: c.*2776A>G on transcript NM_001203.3 (MANE Select); 2776 bases downstream of the stop codon, A replaced by G.
Molecular consequence: 3 prime UTR variant.
Genome position (GRCh38, 1-based): chr4:95,157,449, A>G. VCF-style: chr4-95157449-A-G. GRCh37 (hg19) VCF-style: chr4-96078600-A-G.
Other names: c.*2776A>G (NM_001256792.2, NM_001256793.2, NM_001256794.1).
Identifiers: ClinVar variation 350171 (VCV000350171.6), dbSNP rs1434535, ClinGen allele CA10622040.
Genomic context (GRCh38, chr4:95,157,449, plus strand): 5'-TTTCAAAATTTCTAGTGGCTCAGAAGTGAATTTTATTTTATTTGTCTTTCACTTGAATAA[A>G]TGAGAACCCAGAAATTAATAATGTTGTTTATTGCTTACTGTCAGGACTATTTCAAAGACT-3'